The following is an entry in ClinVar:

ClinVar aggregate classification (germline): Uncertain significance (1 of 4 stars; one submission).

gnomAD v4.1: 2 of 1,575,706 alleles (0.00013%); highest among the groups gnomAD compares: Admixed American, 0.0019%; no homozygotes.

Submission:

CeGaT Center for Human Genetics Tuebingen
Classification: Uncertain significance. Last evaluated: 2023-01-01. Review status: criteria provided, single submitter. Criteria: CeGaT Center For Human Genetics Tuebingen Variant Classification Criteria Version 2. Collection method: clinical testing. Allele origin: germline. Affected: yes. Observed: 1 variant allele.
Comment: PANK2: PM2

NM_153638.4(PANK2):c.283C>G (p.Leu95Val)

Genes: PANK2 (pantothenate kinase 2; plus strand), LOC130065345 (ATAC-STARR-seq lymphoblastoid silent region 12635; plus strand). Cytogenetic location: 20p13.
Variant type: single nucleotide variant.
Coding change: c.283C>G on transcript NM_153638.4; coding-DNA position 283, C replaced by G.
Protein change: p.Leu95Val; replaces leucine 95 with valine.
Molecular consequence: missense variant. On other transcripts: intron variant (1).
Genome position (GRCh38, 1-based): chr20:3,889,383, C>G. VCF-style: chr20-3889383-C-G. GRCh37 (hg19) VCF-style: chr20-3870030-C-G.
Other names: c.283C>G, p.Leu95Val (NM_001324192.1); c.-246+479C>G (NM_024960.6); short protein forms L95V.
Identifiers: ClinVar variation 2498881 (VCV002498881.25), dbSNP rs558404718, ClinGen allele CA408140359.
Genomic context (GRCh38, chr20:3,889,383, plus strand): 5'-TCGTCGGATTGGCTTCCTGCGCGTTGGCGCAACGGAAGAGGCGGCCGGCCGAGGGCGCGC[C>G]TCTGCTCTGGCTGGACTGCCGCGGAGGAGGCGAGAAGGAATCCGACGCTGGGGGGCTTGC-3'